The following is an entry in ClinVar:

NM_001378418.1(TCF20):c.173G>C (p.Gly58Ala)

Gene: TCF20 (transcription factor 20; minus strand). Cytogenetic location: 22q13.2.
Variant type: single nucleotide variant.
Coding change: c.173G>C on transcript NM_001378418.1 (MANE Select); coding-DNA position 173, G replaced by C.
Protein change: p.Gly58Ala; replaces glycine 58 with alanine.
Molecular consequence: missense variant.
Genome position (GRCh38, 1-based): chr22:42,215,133, C>G on the plus strand (G>C on the coding strand, the complement: TCF20 is on the minus strand). VCF-style: chr22-42215133-C-G. GRCh37 (hg19) VCF-style: chr22-42611139-C-G.
Other names: c.173G>C, p.Gly58Ala (NM_005650.4, NM_181492.3); short protein forms G58A.
Identifiers: ClinVar variation 2016944 (VCV002016944.4), dbSNP rs555261601, ClinGen allele CA10267422.

ClinVar aggregate classification (germline): Uncertain significance (1 of 4 stars; one submission).

Allele frequency attached by ClinVar (database versions not stated): ExAC 0.00001; 1000 Genomes Project 30x 0.00016; 1000 Genomes Project 0.00020.
gnomAD v4.1: 1 of 1,614,094 alleles (0.000062%); highest among the groups gnomAD compares: African/African-American, 0.0013%; no homozygotes.

Submission:

Labcorp Genetics (formerly Invitae), Labcorp
Classification: Uncertain significance. Last evaluated: 2022-07-24. Review status: criteria provided, single submitter. Criteria: Invitae Variant Classification Sherloc (09022015). Collection method: clinical testing. Allele origin: germline.
Comment: This variant has not been reported in the literature in individuals affected with TCF20-related conditions. This sequence change replaces glycine, which is neutral and non-polar, with alanine, which is neutral and non-polar, at codon 58 of the TCF20 protein (p.Gly58Ala). This variant is present in population databases (rs555261601, gnomAD 0.007%). Algorithms developed to predict the effect of missense changes on protein structure and function are either unavailable or do not agree on the potential impact of this missense change (SIFT: "Tolerated"; PolyPhen-2: "Probably Damaging"; Align-GVGD: "Class C0"). In summary, the available evidence is currently insufficient to determine the role of this variant in disease. Therefore, it has been classified as a Variant of Uncertain Significance.